The following is an entry in ClinVar:

NM_001270974.2(HYDIN):c.10247T>G (p.Val3416Gly)

Gene: HYDIN (HYDIN axonemal central pair apparatus protein; minus strand). Cytogenetic location: 16q22.2.
Variant type: single nucleotide variant.
Coding change: c.10247T>G on transcript NM_001270974.2 (MANE Select); coding-DNA position 10247, T replaced by G.
Protein change: p.Val3416Gly; replaces valine 3416 with glycine.
Molecular consequence: missense variant.
Genome position (GRCh38, 1-based): chr16:70,879,725, A>C on the plus strand (T>G on the coding strand, the complement: HYDIN is on the minus strand). VCF-style: chr16-70879725-A-C. GRCh37 (hg19) VCF-style: chr16-70913628-A-C.
Other names: short protein forms V3416G.
Identifiers: ClinVar variation 1027858 (VCV001027858.1), dbSNP rs2040667130, ClinGen allele CA396599019.
Genomic context (GRCh38, chr16:70,879,725, plus strand): 5'-GTGAAGGACACCGTGGCAAAGGCATGGGAATGACTGGCAATGCACATCTTGCTGGGTTCC[A>C]CTTCAAAAATGTCGACGATGCGGGCAAAGGGCTGGTGATGGGGGCAGAGACCAGAGTGTG-3'
Protein context (NP_001257903.1, residues 3406-3426): PFARIVDIFE[Val3416Gly]EPSKMCIASH

ClinVar aggregate classification (germline): Uncertain significance (1 of 4 stars; one submission).

Conditions:
Primary ciliary dyskinesia 5. Also called: CILIARY DYSKINESIA, PRIMARY, 5, WITHOUT SITUS INVERSUS. Identifiers: Orphanet 244, MedGen C1837615, MONDO:0012088, OMIM 608647.

Submission:

Baylor Genetics
Classification: Uncertain significance for Primary ciliary dyskinesia 5. Last evaluated: 2020-01-08. Review status: criteria provided, single submitter. Criteria: ACMG Guidelines, 2015. Collection method: clinical testing. Allele origin: unknown. Affected: yes.
Comment: This variant was determined to be of uncertain significance according to ACMG Guidelines, 2015 [PMID:25741868].